The following is an entry in ClinVar:

NM_000371.4(TTR):c.91C>T (p.Pro31Ser)

Gene: TTR (transthyretin; plus strand). Cytogenetic location: 18q12.1.
Variant type: single nucleotide variant.
Coding change: c.91C>T on transcript NM_000371.4 (MANE Select); coding-DNA position 91, C replaced by T.
Protein change: p.Pro31Ser; replaces proline 31 with serine.
Molecular consequence: missense variant.
Genome position (GRCh38, 1-based): chr18:31,592,917, C>T. VCF-style: chr18-31592917-C-T. GRCh37 (hg19) VCF-style: chr18-29172880-C-T.
Other names: short protein forms P31S.
Identifiers: ClinVar variation 1502316 (VCV001502316.6), dbSNP rs2144406521, ClinGen allele CA402156517.

ClinVar aggregate classification (germline): Uncertain significance (1 of 4 stars; one submission).

Conditions:
Amyloidosis, hereditary systemic 1 (AMYLD1). Also called: Hereditary oculoleptomeningeal amyloid angiopathy; Familial Transthyretin Amyloidosis; Familial amyloid polyneuropathy; Transthyretin Amyloidosis; AMYLOID CARDIOMYOPATHY; Hereditary Transthyretin Amyloidosis. Identifiers: Orphanet 85447, Orphanet 85451, MedGen C2751492, MONDO:0971004, OMIM 105210.

Submission:

Labcorp Genetics (formerly Invitae), Labcorp
Classification: Uncertain significance for Amyloidosis, hereditary systemic 1. Last evaluated: 2022-07-19. Review status: criteria provided, single submitter. Criteria: Invitae Variant Classification Sherloc (09022015). Collection method: clinical testing. Allele origin: germline.
Comment: In summary, the available evidence is currently insufficient to determine the role of this variant in disease. Therefore, it has been classified as a Variant of Uncertain Significance. Advanced modeling of protein sequence and biophysical properties (such as structural, functional, and spatial information, amino acid conservation, physicochemical variation, residue mobility, and thermodynamic stability) performed at Invitae indicates that this missense variant is expected to disrupt TTR protein function. ClinVar contains an entry for this variant (Variation ID: 1502316). This variant has not been reported in the literature in individuals affected with TTR-related conditions. This variant is not present in population databases (gnomAD no frequency). This sequence change replaces proline with serine at codon 31 of the TTR protein (p.Pro31Ser). The proline residue is highly conserved and there is a moderate physicochemical difference between proline and serine.